The following is an entry in ClinVar:

NM_032383.5(HPS3):c.970+172dup

Gene: HPS3 (HPS3 biogenesis of lysosomal organelles complex 2 subunit 1; plus strand). Cytogenetic location: 3q24.
Variant type: Duplication.
Coding change: c.970+172dup on transcript NM_032383.5 (MANE Select); 172 bases into the intron after coding-DNA position 970, one base duplicated (T; older notation c.970+172dupT).
Molecular consequence: intron variant.
Genome position (GRCh38, 1-based): chr3:149,141,552, T duplicated; the last of 21 consecutive T bases (chr3:149,141,532-149,141,552); duplicating any one gives the same sequence. VCF-style (leftmost placement, unchanged base first): chr3-149141531-G-GT. GRCh37 (hg19) VCF-style: chr3-148859318-G-GT.
Other names: c.475+172dup (NM_001308258.2).
Identifiers: ClinVar variation 1707188 (VCV001707188.2), dbSNP rs10718838, ClinGen allele CA546935766.
Genomic context (GRCh38, chr3:149,141,531, plus strand): 5'-TGGTGGTTTGGTTCTTCCACTGGAGTCTCCTTGTGGCCCTTTAACAAAGTTTTTTTTTTT[G>GT]TTTTTTTTTTTTTTTTTTTTTGAGACTGAGTCTCGCTTTATTGCCAGTCTGGAGTGCAGT-3'

ClinVar aggregate classification (germline): Likely benign (1 of 4 stars; one submission).

Submission:

GeneDx
Classification: Likely benign. Last evaluated: 2019-10-20. Review status: criteria provided, single submitter. Criteria: GeneDx Variant Classification Process June 2021. Collection method: clinical testing. Allele origin: germline. Affected: yes.
Comment: See Variant Classification Assertion Criteria.